The following is an entry in ClinVar:

ClinVar aggregate classification (germline): Pathogenic/Likely pathogenic. Review status: criteria provided, multiple submitters, no conflicts (2 of 4 stars). 3 submissions from 3 submitters: Pathogenic (2); Likely pathogenic (1). Last evaluated 2018-10-29.

Conditions:
Episodic ataxia type 2 (EA2). Also called: ATAXIA, EPISODIC, WITH NYSTAGMUS; ATAXIA, FAMILIAL PAROXYSMAL; CEREBELLAR ATAXIA, PAROXYSMAL, ACETAZOLAMIDE-RESPONSIVE; CEREBELLOPATHY, HEREDITARY PAROXYSMAL; ACETAZOLAMIDE-RESPONSIVE HEREDITARY PAROXYSMAL CEREBELLAR ATAXIA; EPISODIC ATAXIA, NYSTAGMUS-ASSOCIATED. Identifiers: Orphanet 97, MedGen C1720416, MONDO:0007163, OMIM 108500.
Developmental and epileptic encephalopathy, 42 (DEE42A). Also called: Epileptic encephalopathy, early infantile, 42; DEVELOPMENTAL AND EPILEPTIC ENCEPHALOPATHY 42A; EPILEPTIC ENCEPHALOPATHY, EARLY INFANTILE, 42A. Identifiers: MedGen C4310716, MONDO:0014917, OMIM 617106.

Submissions (3):

GeneDx
Classification: Likely pathogenic. Last evaluated: 2018-10-29. Review status: criteria provided, single submitter. Criteria: GeneDx Variant Classification (06012015). Collection method: clinical testing. Allele origin: germline. Affected: yes.
Comment: The c.1503_1524del22 variant in the CACNA1A gene has not been reported previously as a pathogenic variant, nor as a benign variant, to our knowledge. The c.1503_1524del22 variant causes a frameshift starting with codon Leucine 502, changes this amino acid to a Threonine residue, and creates a premature Stop codon at position 19 of the new reading frame, denoted p.Leu502ThrfsX19. This variant is predicted to cause loss of normal protein function either through protein truncation or nonsense-mediated mRNA decay. The c.1503_1524del22 variant is not observed in large population cohorts (Lek et al., 2016). We interpret c.1503_1524del22 as a likely pathogenic variant.

Labcorp Genetics (formerly Invitae), Labcorp
Classification: Pathogenic for Developmental and epileptic encephalopathy, 42; Episodic ataxia type 2. Last evaluated: 2017-05-08. Review status: criteria provided, single submitter. Criteria: Invitae Variant Classification Sherloc (09022015). Collection method: clinical testing. Allele origin: germline.
Comment: For these reasons, this variant has been classified as Pathogenic. While this particular variant has not been reported in the literature, loss-of-function variants in CACNA1A are known to be pathogenic (PMID: 14718690, 10371528). This sequence change deletes 22 nucleotides from exon 11 of the CACNA1A mRNA (c.1503_1524del), causing a frameshift at codon 502. This creates a premature translational stop signal (p.Leu502Thrfs*19) and is expected to result in an absent or disrupted protein product.

Athena Diagnostics
Classification: Pathogenic. Last evaluated: 2017-01-31. Review status: criteria provided, single submitter. Criteria: Athena Diagnostics Criteria. Collection method: clinical testing. Allele origin: germline.

Literature cited by the submitters: PubMed 14718690 (cited by Labcorp Genetics (formerly Invitae), Labcorp); PubMed 10371528 (cited by Labcorp Genetics (formerly Invitae), Labcorp).

NM_001127222.2(CACNA1A):c.1500_1521del (p.Leu501fs)

Gene: CACNA1A (calcium voltage-gated channel subunit alpha1 A; minus strand). Cytogenetic location: 19p13.13.
Variant type: Deletion.
Coding change: c.1500_1521del on transcript NM_001127222.2 (MANE Select); coding-DNA positions 1500 to 1521, 22 bases deleted (GCTGTGTGTTGCTATTGTTCAC).
Protein change: p.Leu501fs; shifts the reading frame from leucine 501.
Molecular consequence: frameshift variant.
Genome position (GRCh38, 1-based): chr19:13,317,146-13,317,167, GTGAACAATAGCAACACACAGC deleted on the plus strand (GCTGTGTGTTGCTATTGTTCAC on the coding strand, the reverse complement: CACNA1A is on the minus strand); deleting any 22 consecutive bases within chr19:13,317,146-13,317,170 gives the same sequence; the c. name uses the placement nearest the transcript's 3' end. VCF-style (leftmost placement, unchanged base first): chr19-13317145-AGTGAACAATAGCAACACACAGC-A. GRCh37 (hg19) VCF-style: chr19-13427959-AGTGAACAATAGCAACACACAGC-A.
Other names: c.1503_1524delGCTGTGTGTTGCTATTGTTCAC (NM_001127221.1); c.1503_1524del, p.Leu502fs (NM_000068.4, NM_001127221.2, NM_001174080.2 and 1 more transcripts); short protein forms L502fs, L501fs.
Identifiers: ClinVar variation 446903 (VCV000446903.8), dbSNP rs1555762855, ClinGen allele CA658658792.